The following is an entry in ClinVar:

NM_001458.5(FLNC):c.4234T>C (p.Phe1412Leu)

Gene: FLNC (filamin C; plus strand). Cytogenetic location: 7q32.1.
Variant type: single nucleotide variant.
Coding change: c.4234T>C on transcript NM_001458.5 (MANE Select); coding-DNA position 4234, T replaced by C.
Protein change: p.Phe1412Leu; replaces phenylalanine 1412 with leucine.
Molecular consequence: missense variant.
Genome position (GRCh38, 1-based): chr7:128,846,851, T>C. VCF-style: chr7-128846851-T-C. GRCh37 (hg19) VCF-style: chr7-128486905-T-C.
Other names: c.4234T>C, p.Phe1412Leu (NM_001127487.2); short protein forms F1412L.
Identifiers: ClinVar variation 4812418 (VCV004812418.1).
Genomic context (GRCh38, chr7:128,846,851, plus strand): 5'-GAAGCCAAGATGTCCTGCAAGGACAACAAGGATGGTAGCTGCACCGTGGAGTACATCCCC[T>C]TCACTCCTGGAGACTATGACGTCAACATCACCTTCGGGGGGCGGCCCATCCCAGGTGTGC-3'
Protein context (NP_001449.3, residues 1402-1422): DGSCTVEYIP[Phe1412Leu]TPGDYDVNIT

ClinVar aggregate classification (germline): Uncertain significance (1 of 4 stars; one submission).

Conditions:
Hypertrophic cardiomyopathy 26. Also called: Cardiomyopathy, familial hypertrophic, 26. Identifiers: Orphanet 75249, MedGen C4310749, MONDO:0014883, OMIM 617047.
Myofibrillar myopathy 5. Also called: Filaminopathy (type); FILAMINOPATHY, AUTOSOMAL DOMINANT. Identifiers: Orphanet 171445, MedGen C1836050, MONDO:0012289, OMIM 609524.
Distal myopathy with posterior leg and anterior hand involvement. Also called: WILLIAMS DISTAL MYOPATHY. Identifiers: Orphanet 63273, MedGen C3279722, MONDO:0013550, OMIM 614065.

Submission:

Labcorp Genetics (formerly Invitae), Labcorp
Classification: Uncertain significance for Distal myopathy with posterior leg and anterior hand involvement; Myofibrillar myopathy 5; Hypertrophic cardiomyopathy 26. Last evaluated: 2025-03-26. Review status: criteria provided, single submitter. Criteria: Invitae Variant Classification Sherloc (09022015). Collection method: clinical testing. Allele origin: germline.
Comment: This sequence change replaces phenylalanine, which is neutral and non-polar, with leucine, which is neutral and non-polar, at codon 1412 of the FLNC protein (p.Phe1412Leu). This variant is not present in population databases (gnomAD no frequency). This variant has not been reported in the literature in individuals affected with FLNC-related conditions. Invitae Evidence Modeling of protein sequence and biophysical properties (such as structural, functional, and spatial information, amino acid conservation, physicochemical variation, residue mobility, and thermodynamic stability) has been performed for this missense variant. However, the output from this modeling did not meet the statistical confidence thresholds required to predict the impact of this variant on FLNC protein function. In summary, the available evidence is currently insufficient to determine the role of this variant in disease. Therefore, it has been classified as a Variant of Uncertain Significance.